The following is an entry in ClinVar:

NM_000243.3(MEFV):c.775A>G (p.Ile259Val)

Gene: MEFV (MEFV innate immunity regulator, pyrin; minus strand). Cytogenetic location: 16p13.3.
Variant type: single nucleotide variant.
Coding change: c.775A>G on transcript NM_000243.3 (MANE Select); coding-DNA position 775, A replaced by G.
Protein change: p.Ile259Val; replaces isoleucine 259 with valine.
Molecular consequence: missense variant. On other transcripts: intron variant (1).
Genome position (GRCh38, 1-based): chr16:3,254,293, T>C on the plus strand (A>G on the coding strand, the complement: MEFV is on the minus strand). VCF-style: chr16-3254293-T-C. GRCh37 (hg19) VCF-style: chr16-3304293-T-C.
Other names: c.277+2018A>G (NM_001198536.2); short protein forms I259V.
Identifiers: ClinVar variation 97545 (VCV000097545.30), dbSNP rs104895144, ClinGen allele CA280658.

ClinVar aggregate classification (germline): Conflicting classifications of pathogenicity. Review status: criteria provided, conflicting classifications (1 of 4 stars). 13 submissions from 11 submitters: Uncertain significance (8); Benign (2); Likely benign (1). 2 of the submissions do not count toward it. Last evaluated 2025-01-13.

Conditions:
Acute febrile neutrophilic dermatosis (AFND). Also called: Gomm Button disease; Sweet Syndrome. Identifiers: Orphanet 3243, MedGen C0085077, MONDO:0011959, OMIM 608068.
Autoinflammatory syndrome. Identifiers: Orphanet 93665, MedGen C3890737, MONDO:0019751.
Familial Mediterranean fever (FMF). Also called: POLYSEROSITIS, FAMILIAL PAROXYSMAL; POLYSEROSITIS, RECURRENT; Periodic peritonitis; Benign paroxysmal peritonitis. Identifiers: Orphanet 342, MedGen C0031069, MONDO:0018088, OMIM 249100. Disease mechanism: gain of function.
Familial Mediterranean fever, autosomal dominant. Also called: FMF, AUTOSOMAL DOMINANT; Dominant Familial Mediterranean Fever. Identifiers: Orphanet 342, MedGen C1851347, MONDO:0007601, OMIM 134610.
MEFV-related disorder. Also called: MEFV-related disorders; MEFV-related condition.

Allele frequency attached by ClinVar (database versions not stated): ExAC 0.00002; gnomAD 0.00004; gnomAD exomes 0.00003; TOPMed 0.00004.
gnomAD v4.1: 65 of 1,614,100 alleles (0.004%); highest among the groups gnomAD compares: Middle Eastern, 0.049%; no homozygotes.

Submissions (13):

Labcorp Genetics (formerly Invitae), Labcorp
Classification: Uncertain significance for Familial Mediterranean fever. Last evaluated: 2025-01-13. Review status: criteria provided, single submitter. Criteria: Invitae Variant Classification Sherloc (09022015). Collection method: clinical testing. Allele origin: germline.
Comment: This sequence change replaces isoleucine, which is neutral and non-polar, with valine, which is neutral and non-polar, at codon 259 of the MEFV protein (p.Ile259Val). This variant is present in population databases (rs104895144, gnomAD 0.006%). This missense change has been observed in individual(s) with however, in one of these individuals, a homozygous pathogenic allele was also identified in MEFV, which suggests this c.775A>G variant was not the primary cause of disease and/or Mediterranean fever (PMID: 22614345, 24469716, 25626331, 31989427). ClinVar contains an entry for this variant (Variation ID: 97545). An algorithm developed to predict the effect of missense changes on protein structure and function outputs the following: PolyPhen-2: "Benign". The valine amino acid residue is found in multiple mammalian species, which suggests that this missense change does not adversely affect protein function. In summary, the available evidence is currently insufficient to determine the role of this variant in disease. Therefore, it has been classified as a Variant of Uncertain Significance.

Fulgent Genetics
Classification: Uncertain significance for Familial Mediterranean fever, autosomal dominant; Familial Mediterranean fever; Acute febrile neutrophilic dermatosis. Last evaluated: 2024-06-12. Review status: criteria provided, single submitter. Criteria: ACMG Guidelines, 2015. Collection method: clinical testing. Allele origin: germline.

ARUP Laboratories, Molecular Genetics and Genomics, ARUP Laboratories
Classification: Uncertain significance. Last evaluated: 2024-04-26. Review status: criteria provided, single submitter. Criteria: ARUP Molecular Germline Variant Investigation Process 2024. Collection method: clinical testing. Allele origin: germline.
Comment: The MEFV c.775A>G; p.Ile259Val variant (rs104895144), is reported in the literature in the heterozygous state in individuals affected with familial mediterranean fever (Balta 2020, Ceylan 2012, Oztuzcu 2014, Tzifi 2014). This variant is reported in ClinVar (Variation ID: 97545), and is found in the general population with an overall allele frequency of 0.0032% (8/251,446 alleles) in the Genome Aggregation Database (v2.1.1). Computational analyses are uncertain whether this variant is neutral or deleterious (REVEL: 0.315). Due to limited information, the clinical significance of the p.Ile259Val variant is uncertain at this time. References: Balta B et al. A comprehensive molecular analysis and genotype-phenotype correlation in patients with familial mediterranean fever. Mol Biol Rep. 2020 Mar;47(3):1835-1843. PMID: 31989427. Ceylan GG et al. Frequency of alterations in the MEFV gene and clinical signs in familial Mediterranean fever in Central Anatolia, Turkey. Genet Mol Res. 2012 May 7;11(2):1185-94. PMID: 22614345. Oztuzcu S et al. Screening of common and novel familial mediterranean fever mutations in south-east part of Turkey. Mol Biol Rep. 2014;41(4):2601-7. PMID: 24469716. Tzifi F et al. Acute hepatitis in a child heterozygous for the I259V MEFV gene variant. Prague Med Rep. 2014;115(3-4):128-33. PMID: 25626331.

PreventionGenetics, part of Exact Sciences
Classification: Uncertain significance for MEFV-related condition. Last evaluated: 2023-06-02. Review status: criteria provided, single submitter. Criteria: ACMG Guidelines, 2015. Collection method: clinical testing. Allele origin: germline.
Comment: The MEFV c.775A>G variant is predicted to result in the amino acid substitution p.Ile259Val. This variant has been reported in five patients with familial Mediterranean fever (FMF), although segregation data was not presented in any of these cases and one patient was also homozygous for a different pathogenic variant (Ceylan et al. 2012. PubMed ID: 22614345; Oztuzcu et al. 2014. PubMed ID: 24469716; Tzifi et al. 2014. PubMed ID: 25626331; Balta et al. 2020. PubMed ID: 31989427). This variant was also reported in a patient with early coronary heart disease (Basar et al. 2014. PubMed ID: 24702757). This variant is reported in 0.0065% of alleles in individuals of South Asian descent in gnomAD. At this time, the clinical significance of this variant is uncertain due to the absence of conclusive functional and genetic evidence.

Genome-Nilou Lab
Classification: Likely benign for Familial Mediterranean fever. Last evaluated: 2023-02-08. Review status: criteria provided, single submitter. Criteria: ACMG Guidelines, 2015. Collection method: clinical testing. Allele origin: germline.

Genome-Nilou Lab
Classification: Benign for Familial Mediterranean fever, autosomal dominant. Last evaluated: 2023-02-08. Review status: criteria provided, single submitter. Criteria: ACMG Guidelines, 2015. Collection method: clinical testing. Allele origin: germline.

Genome-Nilou Lab
Classification: Benign for Acute febrile neutrophilic dermatosis. Last evaluated: 2023-02-08. Review status: criteria provided, single submitter. Criteria: ACMG Guidelines, 2015. Collection method: clinical testing. Allele origin: germline.

Genome Diagnostics Laboratory, The Hospital for Sick Children
Classification: Uncertain significance for Autoinflammatory syndrome. Last evaluated: 2021-11-30. Review status: criteria provided, single submitter. Criteria: ACMG Guidelines, 2015. Collection method: clinical testing. Allele origin: germline. Affected: yes.

Mendelics
Classification: Uncertain significance for Familial Mediterranean fever. Last evaluated: 2019-05-28. Review status: criteria provided, single submitter. Criteria: Mendelics Assertion Criteria 2017. Collection method: clinical testing. Allele origin: unknown.

Illumina Laboratory Services, Illumina
Classification: Uncertain significance for Familial Mediterranean fever. Last evaluated: 2017-04-27. Review status: criteria provided, single submitter. Criteria: ICSL Variant Classification Criteria 13 December 2019. Collection method: clinical testing. Allele origin: germline.
Comment: This variant was observed as part of a predisposition screen in an ostensibly healthy population. A literature search was performed for the gene, cDNA change, and amino acid change (where applicable). Publications were found based on this search. However, the evidence from the literature, in combination with allele frequency data from public databases where available, was not sufficient to rule this variant in or out of causing disease. Therefore, this variant is classified as a variant of unknown significance.

Women's Health and Genetics/Laboratory Corporation of America, LabCorp
Classification: Uncertain significance. Last evaluated: 2016-03-22. Review status: criteria provided, single submitter. Criteria: LabCorp Variant Classification Summary - May 2015. Collection method: clinical testing. Allele origin: germline.
Comment: Variant summary: The variant c.775A>G (p.Ile259Val) affects a non-conserved nucleotide and results in replacement of Valine with an Isoleucine. Both amino acids are medium size and hydrophobic and therefore this substitution likely does not change the physico-chemical property of the protein. 5/5 in silico tools predict benign outcome for this change. The variant was found in the large and broad cohorts of the NHLBI-ES and ExAC projects at an allele frequency of 0.0025% which does not exceed the maximal expected allele frequency for a disease-causing MEFV variant (2.17%). However, the possibility that this variant may still represent as a rare polymorphism cannot be ruled out. There are a few patients with symptoms of FMF reported in the literature who carried the variant; however, most of these patient reports lack detailed clinical phenotypic data. Importantly, one patient with symptoms of FMF also carried p. M694V in homozygous state, indicating this variant may not be pathogenic or it acts as modifier of the pathogenic variant p.M694V. The variant p.M694V is known to be a highly penetrant pathogenic variant. Deletion of p.M694 has been shown to be causal for dominant FMF which also highlights the importance of p.M694 residue. There are no in vivo/vitro studies to describe the functional impact of the variant till date. In summary, collective evidence suggests that this variant is unlikely to be pathogenic and it was classified as a VUS-possibly benign until more information becomes available.

Natera, Inc.
Classification: Uncertain significance for Familial Mediterranean fever. Last evaluated: 2020-01-20. Review status: no assertion criteria provided. Collection method: clinical testing. Allele origin: germline. Not counted in ClinVar's aggregate classification.

Unité médicale des maladies autoinflammatoires, CHRU Montpellier
No classification provided. Condition: Familial Mediterranean fever. Review status: no classification provided. Collection method: not provided. Allele origin: unknown. Not counted in ClinVar's aggregate classification.

Literature cited by the submitters: PubMed 22614345 (cited by 3 submitters); PubMed 24469716 (cited by 3 submitters); PubMed 25626331 (cited by 3 submitters); PubMed 31989427 (cited by Labcorp Genetics (formerly Invitae), Labcorp); PubMed 24702757 (cited by Illumina Laboratory Services, Illumina and Women's Health and Genetics/Laboratory Corporation of America, LabCorp).